The following is an entry in ClinVar:

ClinVar aggregate classification (germline): Uncertain significance (1 of 4 stars; one submission).

Conditions:
Dilated cardiomyopathy 1G (CMD1G). Identifiers: Orphanet 154, MedGen C1858763, MONDO:0011400, OMIM 604145.
Autosomal recessive limb-girdle muscular dystrophy type 2J (LGMDR10). Also called: MUSCULAR DYSTROPHY, LIMB-GIRDLE, AUTOSOMAL RECESSIVE 10; Limb-girdle muscular dystrophy, type 2J. Identifiers: Orphanet 140922, MedGen C1837342, MONDO:0012127, OMIM 608807.

Submission:

Labcorp Genetics (formerly Invitae), Labcorp
Classification: Uncertain significance for Dilated cardiomyopathy 1G; Autosomal recessive limb-girdle muscular dystrophy type 2J. Last evaluated: 2022-07-06. Review status: criteria provided, single submitter. Criteria: Invitae Variant Classification Sherloc (09022015). Collection method: clinical testing. Allele origin: germline.
Comment: This variant results in a copy number gain of the genomic region encompassing exon(s) 202 of the TTN gene. This copy number gain extends beyond the assayed region for this gene. While the exact position of this variant cannot be determined from the data, sub-genic copy number gains are generally in tandem (PMID: 25640679). This variant is predicted to be in-frame, and likely preserves the integrity of the reading frame. This variant has not been reported in the literature in individuals affected with TTN-related conditions. This variant disrupts the I band(s) of TTN (PMID: 25589632). Copy number variants in TTN have been previously reported in individuals affected with neuromuscular disorders (PMID: 29792937, 30238059), but the functional significance of this variant is currently unknown. In summary, the available evidence is currently insufficient to determine the role of this variant in disease. Therefore, it has been classified as a Variant of Uncertain Significance.

Literature cited by the submitters: PubMed 25640679; PubMed 25589632; PubMed 29792937; PubMed 30238059.

NC_000002.11:g.(?_179517165)_(179518254_?)dup

Gene: TTN (titin; minus strand). Cytogenetic location: 2q31.2.
Variant type: Duplication.
Identifiers: ClinVar variation 1444279 (VCV001444279.6).